The following is an entry in ClinVar:

ClinVar aggregate classification (germline): Uncertain significance (1 of 4 stars; one submission).

Conditions:
RAI1-related disorder. Also called: RAI1-related condition.

Submission:

PreventionGenetics, part of Exact Sciences
Classification: Uncertain significance for RAI1-related condition. Last evaluated: 2026-08-26. Review status: criteria provided, single submitter. Criteria: ACMG Guidelines, 2015. Collection method: clinical testing. Allele origin: germline.
Comment: The RAI1 c.1838G>A variant is predicted to result in the amino acid substitution p.Gly613Glu. To our knowledge, this variant has not been reported in the literature or in a large population database (gnomAD), indicating this variant is rare. At this time, the clinical significance of this variant is uncertain due to the absence of conclusive functional and genetic evidence.

NM_030665.4(RAI1):c.1838G>A (p.Gly613Glu)

Gene: RAI1 (retinoic acid induced 1; plus strand). Cytogenetic location: 17p11.2.
Variant type: single nucleotide variant.
Coding change: c.1838G>A on transcript NM_030665.4 (MANE Select); coding-DNA position 1838, G replaced by A.
Protein change: p.Gly613Glu; replaces glycine 613 with glutamic acid.
Molecular consequence: missense variant.
Genome position (GRCh38, 1-based): chr17:17,794,786, G>A. VCF-style: chr17-17794786-G-A. GRCh37 (hg19) VCF-style: chr17-17698100-G-A.
Other names: short protein forms G613E.
Identifiers: ClinVar variation 4996287 (VCV004996287.1).